The following is an entry in ClinVar:

NM_173588.4(IGSF22):c.79A>G (p.Thr27Ala)

Genes: IGSF22 (immunoglobulin superfamily member 22; minus strand), IGSF22-AS1 (IGSF22 antisense RNA 1; plus strand). Cytogenetic location: 11p15.1.
Variant type: single nucleotide variant.
Coding change: c.79A>G on transcript NM_173588.4 (MANE Select); coding-DNA position 79, A replaced by G.
Protein change: p.Thr27Ala; replaces threonine 27 with alanine.
Molecular consequence: missense variant. On other transcripts: non-coding transcript variant (1).
Genome position (GRCh38, 1-based): chr11:18,724,158, T>C on the plus strand (A>G on the coding strand, the complement: IGSF22 is on the minus strand). VCF-style: chr11-18724158-T-C. GRCh37 (hg19) VCF-style: chr11-18745705-T-C.
Other names: short protein forms T27A.
Identifiers: ClinVar variation 2641668 (VCV002641668.24), dbSNP rs191360236, ClinGen allele CA5914645.

ClinVar aggregate classification (germline): Likely benign (1 of 4 stars; one submission).

Allele frequency attached by ClinVar (database versions not stated): 1000 Genomes Project 0.00060; 1000 Genomes Project 30x 0.00062; TOPMed 0.00233; gnomAD 0.00235; ExAC 0.00283; ESP Exome Variant Server 0.00293; gnomAD exomes 0.00424.
gnomAD v4.1: 6,485 of 1,613,894 alleles (0.4%); highest among the groups gnomAD compares: Non-Finnish European, 0.49%; 22 homozygotes.

Submission:

CeGaT Center for Human Genetics Tuebingen
Classification: Likely benign. Last evaluated: 2022-07-01. Review status: criteria provided, single submitter. Criteria: CeGaT Center For Human Genetics Tuebingen Variant Classification Criteria Version 2. Collection method: clinical testing. Allele origin: germline. Affected: yes. Observed: 1 variant allele.
Comment: IGSF22: BP4, BS1